The following is an entry in ClinVar:

ClinVar aggregate classification (germline): Pathogenic (1 of 4 stars; one submission).

Conditions:
Diamond-Blackfan anemia. Also called: Blackfan Diamond syndrome; Aregenerative anemia chronic congenital; Red cell aplasia, pure hereditary; Congenital hypoplastic anemia; Aase syndrome. Identifiers: Orphanet 124, MedGen C1260899, MeSH D029503, MONDO:0015253, HP:0004810.

Submission:

Labcorp Genetics (formerly Invitae), Labcorp
Classification: Pathogenic for Diamond-Blackfan anemia. Last evaluated: 2023-01-15. Review status: criteria provided, single submitter. Criteria: Invitae Variant Classification Sherloc (09022015). Collection method: clinical testing. Allele origin: germline.
Comment: This variant has not been reported in the literature in individuals affected with RPL11-related conditions. For these reasons, this variant has been classified as Pathogenic. This variant is not present in population databases (gnomAD no frequency). This sequence change creates a premature translational stop signal (p.Asp101Tyrfs*19) in the RPL11 gene. It is expected to result in an absent or disrupted protein product. Loss-of-function variants in RPL11 are known to be pathogenic (PMID: 19061985, 19773262).

Literature cited by the submitters: PubMed 19061985; PubMed 19773262.

NM_000975.5(RPL11):c.301_302del (p.Asp101fs)

Gene: RPL11 (ribosomal protein L11; plus strand). Cytogenetic location: 1p36.11.
Variant type: Deletion.
Coding change: c.301_302del on transcript NM_000975.5 (MANE Select); coding-DNA positions 301 to 302, 2 bases deleted (GA; older notation c.301_302delGA).
Protein change: p.Asp101fs; shifts the reading frame from aspartic acid 101.
Molecular consequence: frameshift variant.
Genome position (GRCh38, 1-based): chr1:23,694,696-23,694,697, GA deleted; deleting any 2 consecutive bases within chr1:23,694,695-23,694,697 gives the same sequence; the c. name uses the placement nearest the transcript's 3' end. VCF-style (leftmost placement, unchanged base first): chr1-23694694-CAG-C. GRCh37 (hg19) VCF-style: chr1-24021184-CAG-C.
Other names: c.298_299del, p.Asp100fs (NM_001199802.1); short protein forms D101fs, D100fs.
Identifiers: ClinVar variation 2828833 (VCV002828833.3), dbSNP rs2523400065, ClinGen allele CA2739272377.